The following is an entry in ClinVar:

ClinVar aggregate classification (germline): Conflicting classifications of pathogenicity. Review status: criteria provided, conflicting classifications (1 of 4 stars). 8 submissions from 8 submitters: Uncertain significance (1); Benign (2); Likely benign (4). 1 of the submissions does not count toward it. Last evaluated 2026-03-27.

Conditions:
TBX5-related disorder. Also called: TBX5-related condition.
Cardiovascular phenotype. Identifiers: MedGen CN230736.
Aortic valve disease 2 (AOVD2). Identifiers: MedGen C3542024, MONDO:0013902, OMIM 614823.
Holt-Oram syndrome (HOS). Also called: TBX5-Related Holt-Oram Syndrome; Ventriculo-radial syndrome; Cardiac-limb syndrome; Heart-hand syndrome, type 1. Identifiers: Orphanet 392, MedGen C0265264, MONDO:0007732, OMIM 142900.

Allele frequency attached by ClinVar (database versions not stated): ExAC 0.00027; ESP Exome Variant Server 0.00054; gnomAD 0.00054; TOPMed 0.00072; 1000 Genomes Project 0.00140; 1000 Genomes Project 30x 0.00156.

Submissions (8):

Molecular Diagnostic Laboratory for Inherited Cardiovascular Disease, Montreal Heart Institute
Classification: Likely benign. Last evaluated: 2026-03-27. Review status: criteria provided, single submitter. Criteria: ACMG Guidelines, 2015. Collection method: clinical testing. Allele origin: germline. Affected: no.
Comment: BS1;BP4

Labcorp Genetics (formerly Invitae), Labcorp
Classification: Likely benign for Aortic valve disease 2. Last evaluated: 2025-10-15. Review status: criteria provided, single submitter. Criteria: Invitae Variant Classification Sherloc (09022015). Collection method: clinical testing. Allele origin: germline.

Blueprint Genetics
Classification: Likely benign. Last evaluated: 2024-11-01. Review status: criteria provided, single submitter. Criteria: ACMG Guidelines, 2015. Collection method: clinical testing. Allele origin: germline.

CeGaT Center for Human Genetics Tuebingen
Classification: Benign. Last evaluated: 2022-06-01. Review status: criteria provided, single submitter. Criteria: CeGaT Center For Human Genetics Tuebingen Variant Classification Criteria Version 2. Collection method: clinical testing. Allele origin: germline. Affected: yes. Observed: 1 variant allele.
Comment: TBX5: BS1, BS2

Ambry Genetics
Classification: Likely benign for Cardiovascular phenotype. Last evaluated: 2019-06-17. Review status: criteria provided, single submitter. Criteria: Ambry Variant Classification Scheme 2023. Collection method: clinical testing. Allele origin: germline.

Illumina Laboratory Services, Illumina
Classification: Benign for Holt-Oram syndrome. Last evaluated: 2018-01-12. Review status: criteria provided, single submitter. Criteria: ICSL Variant Classification Criteria 13 December 2019. Collection method: clinical testing. Allele origin: germline.
Comment: This variant was observed in the ICSL laboratory as part of a predisposition screen in an ostensibly healthy population. It had not been previously curated by ICSL or reported in the Human Gene Mutation Database (HGMD: prior to June 1st, 2018), and was therefore a candidate for classification through an automated scoring system. Utilizing variant allele frequency, disease prevalence and penetrance estimates, and inheritance mode, an automated score was calculated to assess if this variant is too frequent to cause the disease. Based on the score and internal cut-off values, a variant classified as benign is not then subjected to further curation. The score for this variant resulted in a classification of benign for this disease.

Eurofins Ntd Llc (ga)
Classification: Uncertain significance. Last evaluated: 2017-07-11. Review status: criteria provided, single submitter. Criteria: EGL Classification Definitions 2015. Collection method: clinical testing. Allele origin: germline. Observed: 2 variant alleles, 2 heterozygotes.

PreventionGenetics, part of Exact Sciences
Classification: Likely benign for TBX5-related condition. Last evaluated: 2023-02-16. Review status: no assertion criteria provided. Collection method: clinical testing. Allele origin: germline. Not counted in ClinVar's aggregate classification.
Comment: This variant is classified as likely benign based on ACMG/AMP sequence variant interpretation guidelines (Richards et al. 2015 PMID: 25741868, with internal and published modifications).

NM_181486.4(TBX5):c.55G>T (p.Ala19Ser)

Gene: TBX5 (T-box transcription factor 5; minus strand). Cytogenetic location: 12q24.21.
Variant type: single nucleotide variant.
Coding change: c.55G>T on transcript NM_181486.4 (MANE Select); coding-DNA position 55, G replaced by T.
Protein change: p.Ala19Ser; replaces alanine 19 with serine.
Molecular consequence: missense variant. On other transcripts: intron variant (1).
Genome position (GRCh38, 1-based): chr12:114,403,844, C>A on the plus strand (G>T on the coding strand, the complement: TBX5 is on the minus strand). VCF-style: chr12-114403844-C-A. GRCh37 (hg19) VCF-style: chr12-114841649-C-A.
Other names: c.55G>T, p.Ala19Ser (NM_000192.3); c.-3-1924G>T (NM_080717.4); short protein forms A19S.
Identifiers: ClinVar variation 264111 (VCV000264111.48), dbSNP rs200461617, ClinGen allele CA6809736.